The following is an entry in ClinVar:

ClinVar aggregate classification (germline): Conflicting classifications of pathogenicity. Review status: criteria provided, conflicting classifications (1 of 4 stars). 2 submissions from 2 submitters: Uncertain significance (1); Likely benign (1). Last evaluated 2024-12-09.

Conditions:
Inborn genetic diseases. Identifiers: MedGen C0950123, MeSH D030342.

Allele frequency attached by ClinVar (database versions not stated): gnomAD exomes 0.00001; gnomAD 0.00002; TOPMed 0.00002.
gnomAD v4.1: 17 of 1,120,636 alleles (0.0015%); highest among the groups gnomAD compares: Non-Finnish European, 0.0019%; no homozygotes.

Submissions (2):

Ambry Genetics
Classification: Likely benign for Inborn genetic diseases. Last evaluated: 2024-12-09. Review status: criteria provided, single submitter. Criteria: Ambry Variant Classification Scheme 2023. Collection method: clinical testing. Allele origin: germline.

Labcorp Genetics (formerly Invitae), Labcorp
Classification: Uncertain significance. Last evaluated: 2022-06-20. Review status: criteria provided, single submitter. Criteria: Invitae Variant Classification Sherloc (09022015). Collection method: clinical testing. Allele origin: germline.
Comment: This sequence change replaces alanine, which is neutral and non-polar, with threonine, which is neutral and polar, at codon 91 of the TPRN protein (p.Ala91Thr). The frequency data for this variant in the population databases is considered unreliable, as metrics indicate insufficient coverage at this position in the gnomAD database. In summary, the available evidence is currently insufficient to determine the role of this variant in disease. Therefore, it has been classified as a Variant of Uncertain Significance. Algorithms developed to predict the effect of missense changes on protein structure and function output the following: SIFT: "Tolerated"; PolyPhen-2: "Benign"; Align-GVGD: "Class C0". The threonine amino acid residue is found in multiple mammalian species, which suggests that this missense change does not adversely affect protein function. This variant has not been reported in the literature in individuals affected with TPRN-related conditions.

NM_001128228.3(TPRN):c.271G>A (p.Ala91Thr)

Gene: TPRN (taperin; minus strand). Cytogenetic location: 9q34.3.
Variant type: single nucleotide variant.
Coding change: c.271G>A on transcript NM_001128228.3 (MANE Select); coding-DNA position 271, G replaced by A.
Protein change: p.Ala91Thr; replaces alanine 91 with threonine.
Molecular consequence: missense variant.
Genome position (GRCh38, 1-based): chr9:137,200,441, C>T on the plus strand (G>A on the coding strand, the complement: TPRN is on the minus strand). VCF-style: chr9-137200441-C-T. GRCh37 (hg19) VCF-style: chr9-140094893-C-T.
Other names: c.271G>A (NM_001128228.2); short protein forms A91T.
Identifiers: ClinVar variation 1515404 (VCV001515404.9), dbSNP rs1281849633, ClinGen allele CA375783871.